The following is an entry in ClinVar:

NM_001378454.1(ALMS1):c.10787_10788del (p.Val3596fs)

Gene: ALMS1 (ALMS1 centrosome and basal body associated protein; plus strand). Cytogenetic location: 2p13.1.
Variant type: Microsatellite.
Coding change: c.10787_10788del on transcript NM_001378454.1 (MANE Select); coding-DNA positions 10787 to 10788, 2 bases deleted (TG; older notation c.10787_10788delTG).
Protein change: p.Val3596fs; shifts the reading frame from valine 3596.
Molecular consequence: frameshift variant.
Genome position (GRCh38, 1-based): chr2:73,572,664-73,572,665, TG deleted; deleting any 2 consecutive bases within chr2:73,572,662-73,572,665 gives the same sequence; the c. name uses the placement nearest the transcript's 3' end. VCF-style (leftmost placement, unchanged base first): chr2-73572661-CTG-C. GRCh37 (hg19) VCF-style: chr2-73799788-CTG-C.
Other names: c.10790_10791del, p.Val3597fs (NM_015120.4); c.10790_10791delTG (NM_015120.4); short protein forms V3597fs, V3596fs.
Identifiers: ClinVar variation 556135 (VCV000556135.17), dbSNP rs1218465638, ClinGen allele CA534123607.

ClinVar aggregate classification (germline): Pathogenic. Review status: criteria provided, multiple submitters, no conflicts (2 of 4 stars). 6 submissions from 6 submitters: Pathogenic (5). 1 of the submissions does not count toward it. Last evaluated 2026-01-26.

Conditions:
Cardiovascular phenotype. Identifiers: MedGen CN230736.
Alstrom syndrome (ALMS). Identifiers: Orphanet 64, MedGen C0268425, MONDO:0008763, OMIM 203800.

Submissions (6):

Clinical Genomics Laboratory, Washington University in St. Louis
Classification: Pathogenic for Alstrom syndrome. Last evaluated: 2026-01-26. Review status: criteria provided, single submitter. Criteria: ACMG Guidelines, 2015. Collection method: clinical testing. Allele origin: germline. Affected: yes.
Comment: The ALMS1 c.10787_10788del (p.Val3596Glufs*4) variant, also published as NM_015120.4:c.10790_10791del (p.Val3597fs), has been reported in two individuals affected with Alström syndrome. Of these individuals, one was compound heterozygous for this variant and a pathogenic or likely pathogenic variant confirmed to be in trans, and one individual was homozygous for this variant (Marshall JD et al., PMID: 17594715; Piñeiro-Gallego T et al., PMID: 22876109). This variant has been reported in the ClinVar database as a germline pathogenic variant by five submitters. This variant is only observed in 7/1,613,948 alleles in the general population (gnomAD v.4.1.0), indicating it is not a common variant. This variant causes a frameshift by deleting two nucleotides, leading to a premature termination codon, which is predicted to lead to nonsense-mediated decay. Based on available information and the ACMG/AMP guidelines for variant interpretation (Richards S et al., PMID: 25741868), this variant is classified as pathogenic.

Labcorp Genetics (formerly Invitae), Labcorp
Classification: Pathogenic for Alstrom syndrome. Last evaluated: 2025-10-13. Review status: criteria provided, single submitter. Criteria: Invitae Variant Classification Sherloc (09022015). Collection method: clinical testing. Allele origin: germline.
Comment: This sequence change creates a premature translational stop signal (p.Val3597Glufs*4) in the ALMS1 gene. It is expected to result in an absent or disrupted protein product. Loss-of-function variants in ALMS1 are known to be pathogenic (PMID: 17594715). This variant is present in population databases (no rsID available, gnomAD 0.008%). This premature translational stop signal has been observed in individual(s) with Alström syndrome (PMID: 17594715). ClinVar contains an entry for this variant (Variation ID: 556135). For these reasons, this variant has been classified as Pathogenic.

Natera, Inc.
Classification: Pathogenic for Alstrom syndrome. Last evaluated: 2024-05-16. Review status: criteria provided, single submitter. Criteria: Natera Variant Classification Schema (03/2026). Collection method: clinical testing. Allele origin: germline.
Comment: The c.10790_10791delTG variant in ALMS1 is a frameshift variant predicted to shift the reading frame beginning at codon 3597 and leads to a stop codon 4 codons downstream. This variant is expected to result in nonsense mediated decay, truncation, or a dysfunctional protein product. This variant is rare in the general population with a frequency below the threshold expected for the associated phenotype(s). This variant has been observed in one or more individuals affected with the associated recessive disease, as either homozygous or compound heterozygous with a second variant (PMID: 17594715, 22876109). Given the available evidence, this variant is classified as Pathogenic.

Ambry Genetics
Classification: Pathogenic for Cardiovascular phenotype. Last evaluated: 2023-07-17. Review status: criteria provided, single submitter. Criteria: Ambry Variant Classification Scheme 2023. Collection method: clinical testing. Allele origin: germline.
Comment: The c.10790_10791delTG pathogenic mutation, located in coding exon 16 of the ALMS1 gene, results from a deletion of two nucleotides at nucleotide positions 10790 to 10791, causing a translational frameshift with a predicted alternate stop codon (p.V3597Efs*4). This variant has been detected in the homozygous state in individuals with Alstr&ouml;m syndrome (Marshall JD et al. Hum Mutat, 2007 Nov;28:1114-23; Pi&ntilde;eiro-Gallego T et al. Mol Vis, 2012 Jul;18:1794-802). This alteration is expected to result in loss of function by premature protein truncation or nonsense-mediated mRNA decay. As such, this alteration is interpreted as a disease-causing mutation.

Laboratorio de Genetica e Diagnostico Molecular, Hospital Israelita Albert Einstein
Classification: Pathogenic for Alstrom syndrome. Last evaluated: 2022-06-30. Review status: criteria provided, single submitter. Criteria: ACMG Guidelines, 2015. Collection method: clinical testing. Allele origin: germline. Affected: yes. Observed: 1 variant allele.
Comment: ACMG classification criteria: PVS1 very strong, PS4 moderated, PM2 moderated, PM3 supporting

Counsyl
Classification: Pathogenic for Alstrom syndrome. Last evaluated: 2018-01-15. Review status: no assertion criteria provided. Collection method: clinical testing. Allele origin: unknown. Not counted in ClinVar's aggregate classification.

Literature cited by the submitters: PubMed 17594715 (cited by 4 submitters); PubMed 22876109 (cited by 3 submitters).